The following is an entry in ClinVar:

NM_001927.4(DES):c.292A>T (p.Asn98Tyr)

Gene: DES (desmin; plus strand). Cytogenetic location: 2q35.
Variant type: single nucleotide variant.
Coding change: c.292A>T on transcript NM_001927.4 (MANE Select); coding-DNA position 292, A replaced by T.
Protein change: p.Asn98Tyr; replaces asparagine 98 with tyrosine.
Molecular consequence: missense variant.
Genome position (GRCh38, 1-based): chr2:219,418,754, A>T. VCF-style: chr2-219418754-A-T. GRCh37 (hg19) VCF-style: chr2-220283476-A-T.
Other names: c.292A>T, p.Asn98Tyr (NM_001382708.1, NM_001382709.1, NM_001382710.1 and 3 more transcripts); short protein forms N98Y.
Identifiers: ClinVar variation 1963902 (VCV001963902.5), dbSNP rs2545247102, ClinGen allele CA350684950.
Genomic context (GRCh38, chr2:219,418,754, plus strand): 5'-CGCACGCCCTCCTCCTACGGCGCAGGCGAGCTGCTGGACTTCTCACTGGCCGACGCGGTG[A>T]ACCAGGAGTTTCTGACCACGCGCACCAACGAGAAGGTGGAGCTGCAGGAGCTCAATGACC-3'
Protein context (NP_001918.3, residues 88-108): LLDFSLADAV[Asn98Tyr]QEFLTTRTNE

ClinVar aggregate classification (germline): Uncertain significance (1 of 4 stars; one submission).

Conditions:
Desmin-related myofibrillar myopathy (MFM1). Also called: Desminopathy; Desmin related myopathy (former name); Desmin storage myopathy (former name); MYOFIBRILLAR MYOPATHY WITH ARRHYTHMOGENIC RIGHT VENTRICULAR CARDIOMYOPATHY; DESMIN-RELATED MYOPATHY WITH ARRHYTHMOGENIC RIGHT VENTRICULAR CARDIOMYOPATHY; Myofibrillar myopathy 1. Identifiers: Orphanet 363543, Orphanet 98909, MedGen C1832370, MONDO:0011076, OMIM 601419.

Submission:

Labcorp Genetics (formerly Invitae), Labcorp
Classification: Uncertain significance for Desmin-related myofibrillar myopathy. Last evaluated: 2025-01-13. Review status: criteria provided, single submitter. Criteria: Invitae Variant Classification Sherloc (09022015). Collection method: clinical testing. Allele origin: germline.
Comment: This sequence change replaces asparagine, which is neutral and polar, with tyrosine, which is neutral and polar, at codon 98 of the DES protein (p.Asn98Tyr). This variant is not present in population databases (gnomAD no frequency). This variant has not been reported in the literature in individuals affected with DES-related conditions. ClinVar contains an entry for this variant (Variation ID: 1963902). Invitae Evidence Modeling of protein sequence and biophysical properties (such as structural, functional, and spatial information, amino acid conservation, physicochemical variation, residue mobility, and thermodynamic stability) indicates that this missense variant is expected to disrupt DES protein function with a positive predictive value of 95%. In summary, the available evidence is currently insufficient to determine the role of this variant in disease. Therefore, it has been classified as a Variant of Uncertain Significance.